The following is an entry in ClinVar:

ClinVar aggregate classification (germline): Uncertain significance (1 of 4 stars; one submission).

Conditions:
Muscular dystrophy-dystroglycanopathy (congenital with impaired intellectual development), type B, 2. Also called: Muscular dystrophy-dystroglycanopathy (congenital with intellectual disability), type B2; MUSCULAR DYSTROPHY, CONGENITAL, POMT2-RELATED. Identifiers: MedGen C3150416, MONDO:0013160, OMIM 613156.
Autosomal recessive limb-girdle muscular dystrophy type 2N. Also called: MUSCULAR DYSTROPHY-DYSTROGLYCANOPATHY, LIMB-GIRDLE, POMT2-RELATED; Muscular dystrophy-dystroglycanopathy (limb-girdle), type C, 2. Identifiers: Orphanet 206559, MedGen C3150418, MONDO:0013162, OMIM 613158.
Muscular dystrophy-dystroglycanopathy (congenital with brain and eye anomalies), type A2. Also called: MUSCULAR DYSTROPHY-DYSTROGLYCANOPATHY (CONGENITAL WITH BRAIN AND EYE ANOMALIES), TYPE A, 2; WALKER-WARBURG SYNDROME OR MUSCLE-EYE-BRAIN DISEASE, POMT2-RELATED. Identifiers: Orphanet 588, Orphanet 899, MedGen C3150411, MONDO:0013154, OMIM 613150.

Allele frequency attached by ClinVar (database versions not stated): gnomAD exomes 0.00001 and below 0.00001; ExAC 0.00001.
gnomAD v4.1: 10 of 1,608,776 alleles (0.00062%); highest among the groups gnomAD compares: Non-Finnish European, 0.00085%; no homozygotes.

Submission:

Labcorp Genetics (formerly Invitae), Labcorp
Classification: Uncertain significance for Muscular dystrophy-dystroglycanopathy (congenital with impaired intellectual development), type B, 2; Muscular dystrophy-dystroglycanopathy (congenital with brain and eye anomalies), type A2; Autosomal recessive limb-girdle muscular dystrophy type 2N. Last evaluated: 2021-04-08. Review status: criteria provided, single submitter. Criteria: Invitae Variant Classification Sherloc (09022015). Collection method: clinical testing. Allele origin: germline.
Comment: This sequence change replaces methionine with valine at codon 350 of the POMT2 protein (p.Met350Val). The methionine residue is moderately conserved and there is a small physicochemical difference between methionine and valine. This variant is present in population databases (rs749883166, ExAC 0.002%). This variant has not been reported in the literature in individuals with POMT2-related conditions. Algorithms developed to predict the effect of missense changes on protein structure and function output the following: SIFT: "Tolerated"; PolyPhen-2: "Benign"; Align-GVGD: "Class C0". The valine amino acid residue is found in multiple mammalian species, suggesting that this missense change does not adversely affect protein function. These predictions have not been confirmed by published functional studies and their clinical significance is uncertain. In summary, the available evidence is currently insufficient to determine the role of this variant in disease. Therefore, it has been classified as a Variant of Uncertain Significance.

NM_013382.7(POMT2):c.1048A>G (p.Met350Val)

Gene: POMT2 (protein O-mannosyltransferase 2; minus strand). Cytogenetic location: 14q24.3.
Variant type: single nucleotide variant.
Coding change: c.1048A>G on transcript NM_013382.7 (MANE Select); coding-DNA position 1048, A replaced by G.
Protein change: p.Met350Val; replaces methionine 350 with valine.
Molecular consequence: missense variant.
Genome position (GRCh38, 1-based): chr14:77,296,232, T>C on the plus strand (A>G on the coding strand, the complement: POMT2 is on the minus strand). VCF-style: chr14-77296232-T-C. GRCh37 (hg19) VCF-style: chr14-77762575-T-C.
Other names: short protein forms M350V.
Identifiers: ClinVar variation 1513478 (VCV001513478.8), dbSNP rs749883166, ClinGen allele CA7286002.